The following is an entry in ClinVar:

NM_003721.4(RFXANK):c.337+4C>T

Gene: RFXANK (regulatory factor X associated ankyrin containing protein; plus strand). Cytogenetic location: 19p13.11.
Variant type: single nucleotide variant.
Coding change: c.337+4C>T on transcript NM_003721.4 (MANE Select); 4 bases into the intron after coding-DNA position 337, C replaced by T.
Molecular consequence: intron variant.
Genome position (GRCh38, 1-based): chr19:19,197,255, C>T. VCF-style: chr19-19197255-C-T. GRCh37 (hg19) VCF-style: chr19-19308064-C-T.
Other names: c.271+209C>T (NM_001278727.2, NM_001370234.1); c.268+209C>T (NM_134440.3, NM_001278728.2); c.334+4C>T (NM_001370235.1, NM_001370237.1, NM_001370236.1); c.337+4C>T (NM_001370238.1, NM_001370233.1).
Identifiers: ClinVar variation 252622 (VCV000252622.47), dbSNP rs187331767, ClinGen allele CA9322683.

ClinVar aggregate classification (germline): Benign/Likely benign. Review status: criteria provided, multiple submitters, no conflicts (2 of 4 stars). 5 submissions from 5 submitters: Benign (2); Likely benign (3). Last evaluated 2026-02-04.

Conditions:
MHC class II deficiency. Also called: Bare lymphocyte syndrome 2; BLS, TYPE II. Identifiers: Orphanet 572, MedGen C5447452, MONDO:0008855.

Allele frequency attached by ClinVar (database versions not stated): 1000 Genomes Project 30x 0.00109; 1000 Genomes Project 0.00120; ESP Exome Variant Server 0.00261; gnomAD 0.00316 and 0.00317; TOPMed 0.00332; ExAC 0.00394; gnomAD exomes 0.00411 and 0.00418.

Submissions (5):

Labcorp Genetics (formerly Invitae), Labcorp
Classification: Benign for MHC class II deficiency. Last evaluated: 2026-02-04. Review status: criteria provided, single submitter. Criteria: Invitae Variant Classification Sherloc (09022015). Collection method: clinical testing. Allele origin: germline.

Women's Health and Genetics/Laboratory Corporation of America, LabCorp
Classification: Benign. Last evaluated: 2026-01-23. Review status: criteria provided, single submitter. Criteria: LabCorp Variant Classification Summary - May 2015. Collection method: clinical testing. Allele origin: germline.

CeGaT Center for Human Genetics Tuebingen
Classification: Likely benign. Last evaluated: 2025-11-01. Review status: criteria provided, single submitter. Criteria: CeGaT Center For Human Genetics Tuebingen Variant Classification Criteria Version 2. Collection method: clinical testing. Allele origin: germline. Affected: yes. Observed: 5 variant alleles.
Comment: RFXANK: BP4, BS2

Genomic Diagnostic Laboratory, Division of Genomic Diagnostics, Children's Hospital of Philadelphia
Classification: Likely benign. Last evaluated: 2015-09-28. Review status: criteria provided, single submitter. Criteria: DGD Variant Analysis Guidelines. Collection method: clinical testing. Allele origin: unknown.

Breakthrough Genomics
Classification: Likely benign. Review status: criteria provided, single submitter. Criteria: ACMG Guidelines, 2015. Collection method: not provided. Allele origin: germline. Inheritance: Autosomal recessive inheritance. Affected: yes.